The following is an entry in ClinVar:

NM_002609.4(PDGFRB):c.1156G>C (p.Val386Leu)

Gene: PDGFRB (platelet derived growth factor receptor beta; minus strand). Cytogenetic location: 5q32.
Variant type: single nucleotide variant.
Coding change: c.1156G>C on transcript NM_002609.4 (MANE Select); coding-DNA position 1156, G replaced by C.
Protein change: p.Val386Leu; replaces valine 386 with leucine.
Molecular consequence: missense variant.
Genome position (GRCh38, 1-based): chr5:150,132,066, C>G on the plus strand (G>C on the coding strand, the complement: PDGFRB is on the minus strand). VCF-style: chr5-150132066-C-G. GRCh37 (hg19) VCF-style: chr5-149511629-C-G.
Other names: c.964G>C, p.Val322Leu (NM_001355016.2); c.673G>C, p.Val225Leu (NM_001355017.2); short protein forms V386L, V225L, V322L.
Identifiers: ClinVar variation 2938261 (VCV002938261.3), dbSNP rs541469612, ClinGen allele CA129067229.

ClinVar aggregate classification (germline): Uncertain significance (1 of 4 stars; one submission).

Conditions:
Infantile myofibromatosis (IMF). Also called: Congenital generalized fibromatosis. Identifiers: Orphanet 2591, MedGen C0432284, MONDO:0016824.
Skeletal overgrowth-craniofacial dysmorphism-hyperelastic skin-white matter lesions syndrome. Also called: SKELETAL OVERGROWTH WITH FACIAL DYSMORPHISM, HYPERELASTIC SKIN, WHITE MATTER LESIONS, AND NEUROLOGIC DETERIORATION; Kosaki overgrowth syndrome. Identifiers: Orphanet 477831, MedGen C4225270, MONDO:0014704, OMIM 616592.
Acroosteolysis-keloid-like lesions-premature aging syndrome. Also called: Premature aging syndrome, Penttinen type; Prematurely aged appearance, delayed bone maturation, acro-osteolysis, and brachydactyly; Progeroid syndrome, Penttinen type. Identifiers: Orphanet 363665, MedGen C1866182, MONDO:0011150, OMIM 601812.
Basal ganglia calcification, idiopathic, 4 (PFBC4). Also called: Familial Idiopathic Basal Ganglia Calcification 4; PRIMARY FAMILIAL BRAIN CALCIFICATION 4, AUTOSOMAL DOMINANT. Identifiers: Orphanet 1980, MedGen C3554321, MONDO:0014004, OMIM 615007.

gnomAD v4.1: 5 of 1,609,564 alleles (0.00031%); highest among the groups gnomAD compares: Admixed American, 0.0017%; no homozygotes.

Submission:

Labcorp Genetics (formerly Invitae), Labcorp
Classification: Uncertain significance for Basal ganglia calcification, idiopathic, 4; Skeletal overgrowth-craniofacial dysmorphism-hyperelastic skin-white matter lesions syndrome; Infantile myofibromatosis; Acroosteolysis-keloid-like lesions-premature aging syndrome. Last evaluated: 2023-07-21. Review status: criteria provided, single submitter. Criteria: Invitae Variant Classification Sherloc (09022015). Collection method: clinical testing. Allele origin: germline.
Comment: This sequence change replaces valine, which is neutral and non-polar, with leucine, which is neutral and non-polar, at codon 386 of the PDGFRB protein (p.Val386Leu). This variant is present in population databases (rs541469612, gnomAD 0.0009%). This variant has not been reported in the literature in individuals affected with PDGFRB-related conditions. Advanced modeling of protein sequence and biophysical properties (such as structural, functional, and spatial information, amino acid conservation, physicochemical variation, residue mobility, and thermodynamic stability) performed at Invitae indicates that this missense variant is not expected to disrupt PDGFRB protein function. In summary, the available evidence is currently insufficient to determine the role of this variant in disease. Therefore, it has been classified as a Variant of Uncertain Significance.